The following is an entry in ClinVar:

ClinVar aggregate classification (germline): Uncertain significance (1 of 4 stars; one submission).

Conditions:
KMT2C-related disorder. Also called: KMT2C-related condition; KMT2C-related disorders.

Allele frequency attached by ClinVar (database versions not stated): TOPMed below 0.00001.
gnomAD v4.1: 1 of 1,612,774 alleles (0.000062%); highest among the groups gnomAD compares: African/African-American, 0.0013%; no homozygotes.

Submission:

PreventionGenetics, part of Exact Sciences
Classification: Uncertain significance for KMT2C-related condition. Last evaluated: 2023-04-08. Review status: criteria provided, single submitter. Criteria: ACMG Guidelines, 2015. Collection method: clinical testing. Allele origin: germline.
Comment: The KMT2C c.11969A>T variant is predicted to result in the amino acid substitution p.Asp3990Val. To our knowledge, this variant has not been reported in the literature or in a large population database, indicating this variant is rare. At this time, the clinical significance of this variant is uncertain due to the absence of conclusive functional and genetic evidence.

NM_170606.3(KMT2C):c.11969A>T (p.Asp3990Val)

Gene: KMT2C (lysine methyltransferase 2C; minus strand). Cytogenetic location: 7q36.1.
Variant type: single nucleotide variant.
Coding change: c.11969A>T on transcript NM_170606.3 (MANE Select); coding-DNA position 11969, A replaced by T.
Protein change: p.Asp3990Val; replaces aspartic acid 3990 with valine.
Molecular consequence: missense variant.
Genome position (GRCh38, 1-based): chr7:152,154,437, T>A on the plus strand (A>T on the coding strand, the complement: KMT2C is on the minus strand). VCF-style: chr7-152154437-T-A. GRCh37 (hg19) VCF-style: chr7-151851522-T-A.
Other names: short protein forms D3990V.
Identifiers: ClinVar variation 2633512 (VCV002633512.1), dbSNP rs986791501, ClinGen allele CA169223727.